The following is an entry in ClinVar:

ClinVar aggregate classification (germline): Uncertain significance (1 of 4 stars; one submission).

Submission:

Labcorp Genetics (formerly Invitae), Labcorp
Classification: Uncertain significance. Last evaluated: 2022-04-10. Review status: criteria provided, single submitter. Criteria: Invitae Variant Classification Sherloc (09022015). Collection method: clinical testing. Allele origin: germline.
Comment: This variant has not been reported in the literature in individuals affected with COL7A1-related conditions. This variant is not present in population databases (gnomAD no frequency). Algorithms developed to predict the effect of sequence changes on RNA splicing suggest that this variant may disrupt the consensus splice site. This sequence change affects codon 2276 of the COL7A1 mRNA. It is a 'silent' change, meaning that it does not change the encoded amino acid sequence of the COL7A1 protein. In summary, the available evidence is currently insufficient to determine the role of this variant in disease. Therefore, it has been classified as a Variant of Uncertain Significance.

NM_000094.4(COL7A1):c.6828G>T (p.Val2276=)

Gene: COL7A1 (collagen type VII alpha 1 chain; minus strand). Cytogenetic location: 3p21.31.
Variant type: single nucleotide variant.
Coding change: c.6828G>T on transcript NM_000094.4 (MANE Select); coding-DNA position 6828, G replaced by T.
Protein change: p.Val2276=; no amino-acid change (valine 2276 retained).
Molecular consequence: synonymous variant.
Genome position (GRCh38, 1-based): chr3:48,572,865, C>A on the plus strand (G>T on the coding strand, the complement: COL7A1 is on the minus strand). VCF-style: chr3-48572865-C-A. GRCh37 (hg19) VCF-style: chr3-48610298-C-A.
Identifiers: ClinVar variation 2124277 (VCV002124277.4), dbSNP rs1303218209, ClinGen allele CA433536060.